The following is an entry in ClinVar:

ClinVar aggregate classification (germline): Uncertain significance. Review status: criteria provided, multiple submitters, no conflicts (2 of 4 stars). 4 submissions from 4 submitters: Uncertain significance (2). 2 of the submissions do not count toward it. Last evaluated 2025-04-18.

Conditions:
Charcot-Marie-Tooth disease axonal type 2F (CMT2F). Also called: CHARCOT-MARIE-TOOTH DISEASE, NEURONAL, TYPE 2F; Charcot-Marie-Tooth Neuropathy Type 2F. Identifiers: Orphanet 99940, MedGen C1847823, MONDO:0011687, OMIM 606595.
Inborn genetic diseases. Identifiers: MedGen C0950123, MeSH D030342.

Allele frequency attached by ClinVar (database versions not stated): gnomAD exomes 0.00001 and 0.00002; ExAC 0.00002; TOPMed 0.00006; ESP Exome Variant Server 0.00015.
gnomAD v4.1: 22 of 1,611,398 alleles (0.0014%); highest among the groups gnomAD compares: Non-Finnish European, 0.0017%; no homozygotes.

Submissions (4):

Labcorp Genetics (formerly Invitae), Labcorp
Classification: Uncertain significance for Charcot-Marie-Tooth disease axonal type 2F. Last evaluated: 2025-04-18. Review status: criteria provided, single submitter. Criteria: Invitae Variant Classification Sherloc (09022015). Collection method: clinical testing. Allele origin: germline.
Comment: This sequence change replaces aspartic acid, which is acidic and polar, with asparagine, which is neutral and polar, at codon 200 of the HSPB1 protein (p.Asp200Asn). This variant is present in population databases (rs147500292, gnomAD 0.01%). This variant has not been reported in the literature in individuals affected with HSPB1-related conditions. ClinVar contains an entry for this variant (Variation ID: 955895). Invitae Evidence Modeling of protein sequence and biophysical properties (such as structural, functional, and spatial information, amino acid conservation, physicochemical variation, residue mobility, and thermodynamic stability) indicates that this missense variant is not expected to disrupt HSPB1 protein function with a negative predictive value of 95%. In summary, the available evidence is currently insufficient to determine the role of this variant in disease. Therefore, it has been classified as a Variant of Uncertain Significance.

Ambry Genetics
Classification: Uncertain significance for Inborn genetic diseases. Last evaluated: 2020-06-15. Review status: criteria provided, single submitter. Criteria: Ambry Variant Classification Scheme 2023. Collection method: clinical testing. Allele origin: germline.
Comment: The p.D200N variant (also known as c.598G>A), located in coding exon 3 of the HSPB1 gene, results from a G to A substitution at nucleotide position 598. The aspartic acid at codon 200 is replaced by asparagine, an amino acid with highly similar properties. This amino acid position is poorly conserved in available vertebrate species. In addition, this alteration is predicted to be tolerated by in silico analysis. Since supporting evidence is limited at this time, the clinical significance of this alteration remains unclear.

Clinical Genetics, Academic Medical Center
Classification: Uncertain significance. Review status: no assertion criteria provided. Collection method: clinical testing. Allele origin: germline. Affected: yes. Study: VKGL Data-share Consensus. Not counted in ClinVar's aggregate classification.

Joint Genome Diagnostic Labs from Nijmegen and Maastricht, Radboudumc and MUMC+
Classification: Uncertain significance. Review status: no assertion criteria provided. Collection method: clinical testing. Allele origin: germline. Affected: yes. Study: VKGL Data-share Consensus. Not counted in ClinVar's aggregate classification.

NM_001540.5(HSPB1):c.598G>A (p.Asp200Asn)

Gene: HSPB1 (heat shock protein family B (small) member 1; plus strand). Cytogenetic location: 7q11.23.
Variant type: single nucleotide variant.
Coding change: c.598G>A on transcript NM_001540.5 (MANE Select); coding-DNA position 598, G replaced by A.
Protein change: p.Asp200Asn; replaces aspartic acid 200 with asparagine.
Molecular consequence: missense variant.
Genome position (GRCh38, 1-based): chr7:76,304,153, G>A. VCF-style: chr7-76304153-G-A. GRCh37 (hg19) VCF-style: chr7-75933470-G-A.
Other names: short protein forms D200N.
Identifiers: ClinVar variation 955895 (VCV000955895.15), dbSNP rs147500292, ClinGen allele CA4306457.
Genomic context (GRCh38, chr7:76,304,153, plus strand): 5'-ACCATCCCAGTCACCTTCGAGTCGCGGGCCCAGCTTGGGGGCCCAGAAGCTGCAAAATCC[G>A]ATGAGACTGCCGCCAAGTAAAGCCTTAGCCCGGATGCCCACCCCTGCTGCCGCCACTGGC-3'
Protein context (NP_001531.1, residues 190-205): QLGGPEAAKS[Asp200Asn]ETAAK